The following is an entry in ClinVar:

NM_000535.7(PMS2):c.2358G>A (p.Leu786=)

Gene: PMS2 (PMS1 homolog 2, mismatch repair system component; minus strand). Cytogenetic location: 7p22.1.
Variant type: single nucleotide variant.
Coding change: c.2358G>A on transcript NM_000535.7 (MANE Select); coding-DNA position 2358, G replaced by A.
Protein change: p.Leu786=; no amino-acid change (leucine 786 retained).
Molecular consequence: synonymous variant. On other transcripts: non-coding transcript variant (1).
Genome position (GRCh38, 1-based): chr7:5,977,675, C>T on the plus strand (G>A on the coding strand, the complement: PMS2 is on the minus strand). VCF-style: chr7-5977675-C-T. GRCh37 (hg19) VCF-style: chr7-6017306-C-T.
Other names: c.2358G>A (NM_000535.5); c.1953G>A, p.Leu651= (NM_001322003.2, NM_001322004.2, NM_001322005.2); c.2202G>A, p.Leu734= (NM_001322006.2); c.2040G>A, p.Leu680= (NM_001322007.2, NM_001322008.2); c.1986G>A, p.Leu662= (NM_001322009.2); c.1797G>A, p.Leu599= (NM_001322010.2); c.1425G>A, p.Leu475= (NM_001322011.2, NM_001322012.2); c.1785G>A, p.Leu595= (NM_001322013.2); and 2 more.
Identifiers: ClinVar variation 1153699 (VCV001153699.11), dbSNP rs535056715, ClinGen allele CA453642409.
Genomic context (GRCh38, chr7:5,977,675, plus strand): 5'-CATCTGCTTGACTCGGGAAGGCCGGCACATGACCCCAGGGCTGTCGCTCAGCATGAAGAT[C>T]AGTTCATCGACGTCCTGGGGTCCGAAGGTCCAGTTTTTACTAGTTGGCAAGGAAATCAGT-3'
Protein context (NP_000526.2, residues 776-796): WTFGPQDVDE[Leu786=]IFMLSDSPGV

ClinVar aggregate classification (germline): Benign/Likely benign. Review status: criteria provided, multiple submitters, no conflicts (2 of 4 stars). 3 submissions from 3 submitters: Benign (1); Likely benign (2). Last evaluated 2025-02-04.

Conditions:
Hereditary cancer-predisposing syndrome. Also called: Hereditary neoplastic syndrome; Hereditary Cancer Syndrome; Tumor predisposition; Neoplastic Syndromes, Hereditary. Identifiers: Orphanet 140162, MedGen C0027672, MeSH D009386, MONDO:0015356.
Hereditary nonpolyposis colorectal neoplasms. Identifiers: MedGen C0009405, MeSH D003123.
Lynch syndrome 4 (LYNCH4). Also called: Hereditary non-polyposis colorectal cancer, type 4; Colorectal cancer, hereditary nonpolyposis, type 4. Identifiers: Orphanet 144, MedGen C1838333, MONDO:0013699, OMIM 614337. Disease mechanism: loss of function.

Allele frequency attached by ClinVar (database versions not stated): gnomAD exomes below 0.00001.
gnomAD v4.1: 1 of 1,606,040 alleles (0.000062%); highest among the groups gnomAD compares: Middle Eastern, 0.017%; no homozygotes.

Submissions (3):

Myriad Genetics, Inc.
Classification: Benign for Lynch syndrome 4. Last evaluated: 2025-02-04. Review status: criteria provided, single submitter. Criteria: Myriad Autosomal Dominant, Autosomal Recessive and X-Linked Classification Criteria (2023). Collection method: clinical testing. Allele origin: unknown.
Comment: This variant is considered benign. This variant is a silent/synonymous amino acid change and it is not expected to impact splicing.

Labcorp Genetics (formerly Invitae), Labcorp
Classification: Likely benign for Hereditary nonpolyposis colorectal neoplasms. Last evaluated: 2024-03-20. Review status: criteria provided, single submitter. Criteria: Invitae Variant Classification Sherloc (09022015). Collection method: clinical testing. Allele origin: germline.

Ambry Genetics
Classification: Likely benign for Hereditary cancer-predisposing syndrome. Last evaluated: 2023-06-11. Review status: criteria provided, single submitter. Criteria: Ambry Variant Classification Scheme 2023. Collection method: clinical testing. Allele origin: germline.